The following is an entry in ClinVar:

ClinVar aggregate classification (germline): Uncertain significance (1 of 4 stars; one submission).

Submission:

Women's Health and Genetics/Laboratory Corporation of America, LabCorp
Classification: Uncertain significance. Last evaluated: 2024-02-07. Review status: criteria provided, single submitter. Criteria: LabCorp Variant Classification Summary - May 2015. Collection method: clinical testing. Allele origin: germline.
Comment: Variant summary: The variant involves the duplication of exons 9-19 in the COG4 gene. A presumed nomenclature of c.(1061+1_1062-1)_(*440_?)dup has been designated for the purposes of this classification. The exact breakpoint at the 3' end of this variant is unknown, therefore this duplication may extend downstream of the annotated region of the gene. As it duplicates the termination codon, its effect on the encoded protein is unknown. A similar large duplication variant (size: 38.6 kb) which encompasses exons 9-19 in the COG4 gene and extends downstream (affecting the FCSK gene) was found at a frequency of 2.3e-06 (i.e. 1 allele) in 441905 control chromosomes in the gnomAD database (CNVs v4.0 dataset). The available data on variant occurrences in the general population are insufficient to allow any conclusion about variant significance. To our knowledge, no occurrence of c.(1061+1_1062-1)_(*440_?)dup in individuals affected with COG4-Related Disorders and no experimental evidence demonstrating its impact on protein function have been reported. No submitters have cited clinical-significance assessments for this variant to ClinVar. Based on the evidence outlined above, the variant was classified as uncertain significance.

NC_000016.9:g.(?_70514473)_(70534995_70542308)dup

Gene: COG4 (component of oligomeric golgi complex 4; minus strand). Cytogenetic location: 16q22.1.
Variant type: Duplication.
Identifiers: ClinVar variation 3069102 (VCV003069102.1).